The following is an entry in ClinVar:

ClinVar aggregate classification (germline): Conflicting classifications of pathogenicity. Review status: criteria provided, conflicting classifications (1 of 4 stars). 3 submissions from 3 submitters: Uncertain significance (1); Likely benign (2). Last evaluated 2025-10-25.

Conditions:
Hereditary cancer-predisposing syndrome. Also called: Tumor predisposition; Hereditary Cancer Syndrome; Neoplastic Syndromes, Hereditary; Hereditary neoplastic syndrome. Identifiers: Orphanet 140162, MedGen C0027672, MeSH D009386, MONDO:0015356.
Gorlin syndrome. Also called: Nevoid Basal Cell Carcinoma Syndrome; Basal cell nevus syndrome. Identifiers: Orphanet 377, MedGen C0004779, MONDO:0007187.

Allele frequency attached by ClinVar (database versions not stated): gnomAD exomes below 0.00001.
gnomAD v4.1: 1 of 1,614,234 alleles (0.000062%); highest among the groups gnomAD compares: Non-Finnish European, 0.000085%; no homozygotes.

Submissions (3):

Labcorp Genetics (formerly Invitae), Labcorp
Classification: Likely benign for Gorlin syndrome. Last evaluated: 2025-10-25. Review status: criteria provided, single submitter. Criteria: Invitae Variant Classification Sherloc (09022015). Collection method: clinical testing. Allele origin: germline.

Quest Diagnostics Nichols Institute San Juan Capistrano
Classification: Uncertain significance. Last evaluated: 2023-03-09. Review status: criteria provided, single submitter. Criteria: Quest Diagnostics criteria. Collection method: clinical testing. Allele origin: unknown.
Comment: To the best of our knowledge, the variant has not been reported in the published literature. It also has not been reported in large, multi-ethnic general populations. Analysis of this variant using software algorithms for the prediction of the effect of nucleotide changes on splicing yielded predictions that this variant does not affect PTCH1 mRNA splicing . Based on the available information, we are unable to determine the clinical significance of this variant.

Ambry Genetics
Classification: Likely benign for Hereditary cancer-predisposing syndrome. Last evaluated: 2018-10-04. Review status: criteria provided, single submitter. Criteria: Ambry Variant Classification Scheme 2023. Collection method: clinical testing. Allele origin: germline.

NM_000264.5(PTCH1):c.2541C>T (p.Tyr847=)

Genes: PTCH1 (patched 1; minus strand), LOC100507346 (uncharacterized LOC100507346; plus strand). Cytogenetic location: 9q22.32.
Variant type: single nucleotide variant.
Coding change: c.2541C>T on transcript NM_000264.5 (MANE Select); coding-DNA position 2541, C replaced by T.
Protein change: p.Tyr847=; no amino-acid change (tyrosine 847 retained).
Molecular consequence: synonymous variant. On other transcripts: non-coding transcript variant (2).
Genome position (GRCh38, 1-based): chr9:95,467,135, G>A on the plus strand (C>T on the coding strand, the complement: PTCH1 is on the minus strand). VCF-style: chr9-95467135-G-A. GRCh37 (hg19) VCF-style: chr9-98229417-G-A.
Other names: c.2343C>T, p.Tyr781= (NM_001083602.3); c.2538C>T, p.Tyr846= (NM_001083603.3); c.2088C>T, p.Tyr696= (NM_001083604.3, NM_001083605.3, NM_001083606.3 and 1 more transcripts); c.2385C>T, p.Tyr795= (NM_001354918.2); c.2541C>T (NM_000264.4).
Identifiers: ClinVar variation 215690 (VCV000215690.20), dbSNP rs863224347, ClinGen allele CA339572.